The following is an entry in ClinVar:

NM_001142864.4(PIEZO1):c.1628A>C (p.Glu543Ala)

Genes: HSALR1 (HSP90AB1 associated lncRNA 1; plus strand), PIEZO1 (piezo type mechanosensitive ion channel component 1 (Er blood group); minus strand). Cytogenetic location: 16q24.3.
Variant type: single nucleotide variant.
Coding change: c.1628A>C on transcript NM_001142864.4 (MANE Select); coding-DNA position 1628, A replaced by C.
Protein change: p.Glu543Ala; replaces glutamic acid 543 with alanine.
Molecular consequence: missense variant.
Genome position (GRCh38, 1-based): chr16:88,735,176, T>G on the plus strand (A>C on the coding strand, the complement: PIEZO1 is on the minus strand). VCF-style: chr16-88735176-T-G. GRCh37 (hg19) VCF-style: chr16-88801584-T-G.
Other names: short protein forms E543A.
Identifiers: ClinVar variation 4744333 (VCV004744333.1).

ClinVar aggregate classification (germline): Uncertain significance (1 of 4 stars; one submission).

Submission:

Labcorp Genetics (formerly Invitae), Labcorp
Classification: Uncertain significance. Last evaluated: 2025-04-09. Review status: criteria provided, single submitter. Criteria: Invitae Variant Classification Sherloc (09022015). Collection method: clinical testing. Allele origin: germline.
Comment: This sequence change replaces glutamic acid, which is acidic and polar, with alanine, which is neutral and non-polar, at codon 543 of the PIEZO1 protein (p.Glu543Ala). This variant is not present in population databases (gnomAD no frequency). This variant has not been reported in the literature in individuals affected with PIEZO1-related conditions. Invitae Evidence Modeling of protein sequence and biophysical properties (such as structural, functional, and spatial information, amino acid conservation, physicochemical variation, residue mobility, and thermodynamic stability) indicates that this missense variant is not expected to disrupt PIEZO1 protein function with a negative predictive value of 80%. In summary, the available evidence is currently insufficient to determine the role of this variant in disease. Therefore, it has been classified as a Variant of Uncertain Significance.